The following is an entry in ClinVar:

ClinVar aggregate classification (germline): Uncertain significance. Review status: criteria provided, multiple submitters, no conflicts (2 of 4 stars). 4 submissions from 4 submitters: Uncertain significance (4). Last evaluated 2023-08-24.

Conditions:
Mucopolysaccharidosis, MPS-III-B (MPS3B). Also called: N-ACETYL-ALPHA-D-GLUCOSAMINIDASE DEFICIENCY; NAGLU DEFICIENCY; SANFILIPPO SYNDROME B; Mucopolysaccharidosis type IIIB (Sanfilippo B); MPS IIIB (Sanfilippo Syndrome Type B); MUCOPOLYSACCHARIDOSIS, TYPE IIIB. Identifiers: Orphanet 79270, MedGen C0086648, MONDO:0009656, OMIM 252920.
Charcot-Marie-Tooth disease axonal type 2V. Also called: CHARCOT-MARIE-TOOTH NEUROPATHY, TYPE 2V; CHARCOT-MARIE-TOOTH DISEASE, AXONAL, AUTOSOMAL DOMINANT, TYPE 2V. Identifiers: Orphanet 447964, MedGen C5569050, MONDO:0014665, OMIM 616491.

Allele frequency attached by ClinVar (database versions not stated): ESP Exome Variant Server 0.00008; ExAC 0.00007; gnomAD 0.00009; TOPMed 0.00008; gnomAD exomes 0.00018 and 0.00006.
gnomAD v4.1: 268 of 1,599,536 alleles (0.017%); highest among the groups gnomAD compares: Non-Finnish European, 0.022%; no homozygotes.

Submissions (4):

Mayo Clinic Laboratories, Mayo Clinic
Classification: Uncertain significance. Last evaluated: 2023-08-24. Review status: criteria provided, single submitter. Criteria: ACMG Guidelines, 2015. Collection method: clinical testing. Allele origin: germline. Observed: 1 variant allele.

Labcorp Genetics (formerly Invitae), Labcorp
Classification: Uncertain significance for Charcot-Marie-Tooth disease axonal type 2V; Mucopolysaccharidosis, MPS-III-B. Last evaluated: 2022-10-24. Review status: criteria provided, single submitter. Criteria: Invitae Variant Classification Sherloc (09022015). Collection method: clinical testing. Allele origin: germline.
Comment: This sequence change replaces serine, which is neutral and polar, with threonine, which is neutral and polar, at codon 477 of the NAGLU protein (p.Ser477Thr). This variant is present in population databases (rs369970264, gnomAD 0.02%). This variant has not been reported in the literature in individuals affected with NAGLU-related conditions. ClinVar contains an entry for this variant (Variation ID: 851889). Algorithms developed to predict the effect of missense changes on protein structure and function (SIFT, PolyPhen-2, Align-GVGD) all suggest that this variant is likely to be tolerated. In summary, the available evidence is currently insufficient to determine the role of this variant in disease. Therefore, it has been classified as a Variant of Uncertain Significance.

Blueprint Genetics
Classification: Uncertain significance. Last evaluated: 2022-08-26. Review status: criteria provided, single submitter. Criteria: ACMG Guidelines, 2015. Collection method: clinical testing. Allele origin: germline.

Fulgent Genetics
Classification: Uncertain significance for Mucopolysaccharidosis, MPS-III-B; Charcot-Marie-Tooth disease axonal type 2V. Last evaluated: 2021-10-29. Review status: criteria provided, single submitter. Criteria: ACMG Guidelines, 2015. Collection method: clinical testing. Allele origin: unknown.

NM_000263.4(NAGLU):c.1430G>C (p.Ser477Thr)

Gene: NAGLU (N-acetyl-alpha-glucosaminidase; plus strand). Cytogenetic location: 17q21.2.
Variant type: single nucleotide variant.
Coding change: c.1430G>C on transcript NM_000263.4 (MANE Select); coding-DNA position 1430, G replaced by C.
Protein change: p.Ser477Thr; replaces serine 477 with threonine.
Molecular consequence: missense variant.
Genome position (GRCh38, 1-based): chr17:42,543,436, G>C. VCF-style: chr17-42543436-G-C. GRCh37 (hg19) VCF-style: chr17-40695454-G-C.
Other names: p.Ser477Thr; short protein forms S477T.
Identifiers: ClinVar variation 851889 (VCV000851889.7), dbSNP rs369970264, ClinGen allele CA8577016.